The following is an entry in ClinVar:

ClinVar aggregate classification (germline): Uncertain significance. Review status: criteria provided, multiple submitters, no conflicts (2 of 4 stars). 2 submissions from 2 submitters: Uncertain significance (2). Last evaluated 2022-06-27.

Conditions:
Ehlers-Danlos syndrome, dermatosparaxis type. Also called: Dermatosparaxis; Ehlers-Danlos syndrome, type VII, autosomal recessive; EDS VIIC. Identifiers: Orphanet 1901, MedGen C2700425, MONDO:0009161, OMIM 225410.

Allele frequency attached by ClinVar (database versions not stated): gnomAD exomes below 0.00001.
gnomAD v4.1: 2 of 1,614,138 alleles (0.00012%); highest among the groups gnomAD compares: Non-Finnish European, 0.00017%; no homozygotes.

Submissions (2):

Labcorp Genetics (formerly Invitae), Labcorp
Classification: Uncertain significance for Ehlers-Danlos syndrome, dermatosparaxis type. Last evaluated: 2022-06-27. Review status: criteria provided, single submitter. Criteria: Invitae Variant Classification Sherloc (09022015). Collection method: clinical testing. Allele origin: germline.
Comment: This sequence change replaces asparagine, which is neutral and polar, with serine, which is neutral and polar, at codon 1192 of the ADAMTS2 protein (p.Asn1192Ser). This variant is not present in population databases (gnomAD no frequency). This variant has not been reported in the literature in individuals affected with ADAMTS2-related conditions. ClinVar contains an entry for this variant (Variation ID: 1315139). Algorithms developed to predict the effect of missense changes on protein structure and function are either unavailable or do not agree on the potential impact of this missense change (SIFT: "Deleterious"; PolyPhen-2: "Probably Damaging"; Align-GVGD: "Class C0"). In summary, the available evidence is currently insufficient to determine the role of this variant in disease. Therefore, it has been classified as a Variant of Uncertain Significance.

GeneDx
Classification: Uncertain significance. Last evaluated: 2020-01-27. Review status: criteria provided, single submitter. Criteria: GeneDx Variant Classification Process June 2021. Collection method: clinical testing. Allele origin: germline. Affected: yes.
Comment: Has not been previously published as pathogenic or benign to our knowledge; Not observed in large population cohorts (Lek et al., 2016); In silico analysis, which includes protein predictors and evolutionary conservation, supports that this variant does not alter protein structure/function

NM_014244.5(ADAMTS2):c.3575A>G (p.Asn1192Ser)

Gene: ADAMTS2 (ADAM metallopeptidase with thrombospondin type 1 motif 2; minus strand). Cytogenetic location: 5q35.3.
Variant type: single nucleotide variant.
Coding change: c.3575A>G on transcript NM_014244.5 (MANE Select); coding-DNA position 3575, A replaced by G.
Protein change: p.Asn1192Ser; replaces asparagine 1192 with serine.
Molecular consequence: missense variant.
Genome position (GRCh38, 1-based): chr5:179,113,928, T>C on the plus strand (A>G on the coding strand, the complement: ADAMTS2 is on the minus strand). VCF-style: chr5-179113928-T-C. GRCh37 (hg19) VCF-style: chr5-178540929-T-C.
Other names: short protein forms N1192S.
Identifiers: ClinVar variation 1315139 (VCV001315139.3), dbSNP rs2113160848, ClinGen allele CA362410189.